The following continues an entry in ClinVar:

NM_007294.4(BRCA1):c.5066T>G (p.Met1689Arg)

Gene: BRCA1. ClinVar aggregate classification (germline): Pathogenic/Likely pathogenic. Pathogenic (7); Likely pathogenic (2).

Submissions 8 to 13 of 13:

Laboratory for Molecular Medicine, Mass General Brigham Personalized Medicine
Classification: Likely pathogenic for Hereditary breast ovarian cancer syndrome. Last evaluated: 2016-03-21. Review status: criteria provided, single submitter. Criteria: LMM Criteria. Collection method: clinical testing. Allele origin: germline. Inheritance: Autosomal dominant inheritance. Observed: 2 variant alleles.
Comment: The p.Met1689Arg variant in BRCA1 has been reported in at least 2 individuals wi th BRCA1-associated cancers (Mirkovic 2004, Easton 2007), segregated with diseas e in 3 affected relatives from 1 family (Mirkovic 2004), and was absent from lar ge population studies. In vitro functional studies provide some evidence that th is variant may impact protein function (Lee 2010). However, these types of assay s may not accurately represent biological function. Additionally, computational prediction tools and conservation analysis suggest that the p.Met1689Arg variant may impact the protein, though this information is not predictive enough to det ermine pathogenicity. In summary, although additional studies are required to fu lly establish its clinical significance, this variant is likely pathogenic.

Consortium of Investigators of Modifiers of BRCA1/2 (CIMBA), c/o University of Cambridge
Classification: Pathogenic for Breast-ovarian cancer, familial, susceptibility to, 1. Last evaluated: 2015-10-02. Review status: criteria provided, single submitter. Criteria: CIMBA Mutation Classification guidelines May 2016. Collection method: clinical testing. Allele origin: germline.

Research Molecular Genetics Laboratory, Women's College Hospital, University of Toronto
Classification: Pathogenic for Hereditary breast ovarian cancer syndrome. Last evaluated: 2014-01-31. Review status: no assertion criteria provided. Collection method: research. Allele origin: germline. Affected: yes. Study: The Canadian Open Genetics Repository (COGR). Not counted in ClinVar's aggregate classification.

Sharing Clinical Reports Project (SCRP)
Classification: Pathogenic for Breast-ovarian cancer, familial 1. Last evaluated: 2012-08-31. Review status: no assertion criteria provided. Collection method: clinical testing. Allele origin: germline. Not counted in ClinVar's aggregate classification.

Breast Cancer Information Core (BIC) (BRCA1)
Classification: Uncertain significance for Breast-ovarian cancer, familial 1. Last evaluated: 2002-05-29. Review status: no assertion criteria provided. Collection method: clinical testing. Allele origin: germline. Affected: yes. Observed: 4 variant alleles. Not counted in ClinVar's aggregate classification.

Brotman Baty Institute, University of Washington
No classification provided (evidence only). Condition: Breast-ovarian cancer, familial 1. Review status: no classification provided. Collection method: in vitro. Allele origin: not applicable. Functional consequence: functionally_abnormal. Not counted in ClinVar's aggregate classification.
ClinVar note: "not provided" was previously submitted as the classification for the variant. However, the classification appeared to be based only on an observation of functional data so it was converted to no classification on 2025-07-30.

Literature cited by the submitters: PubMed 15172985 (cited by 6 submitters); PubMed 17924331 (cited by 4 submitters); PubMed 21990134 (cited by 3 submitters); PubMed 30209399 (cited by 4 submitters); PubMed 18703817 (cited by 3 submitters); PubMed 25980754 (cited by 3 submitters); PubMed 20516115 (cited by 5 submitters); PubMed 27272900 (cited by Labcorp Genetics (formerly Invitae), Labcorp and Quest Diagnostics Nichols Institute San Juan Capistrano); PubMed 17305420 (cited by 3 submitters); PubMed 30765603 (cited by Quest Diagnostics Nichols Institute San Juan Capistrano); PubMed 29446198 (cited by Quest Diagnostics Nichols Institute San Juan Capistrano); PubMed 28781887 (cited by Quest Diagnostics Nichols Institute San Juan Capistrano); PubMed 24772314 (cited by Quest Diagnostics Nichols Institute San Juan Capistrano and Women's Health and Genetics/Laboratory Corporation of America, LabCorp); PubMed 22753008 (cited by Quest Diagnostics Nichols Institute San Juan Capistrano and Women's Health and Genetics/Laboratory Corporation of America, LabCorp); PubMed 21990165 (cited by Quest Diagnostics Nichols Institute San Juan Capistrano and Women's Health and Genetics/Laboratory Corporation of America, LabCorp); PubMed 21447777 (cited by Quest Diagnostics Nichols Institute San Juan Capistrano); PubMed 18992264 (cited by Quest Diagnostics Nichols Institute San Juan Capistrano and Women's Health and Genetics/Laboratory Corporation of America, LabCorp); PubMed 16267036 (cited by Quest Diagnostics Nichols Institute San Juan Capistrano and Women's Health and Genetics/Laboratory Corporation of America, LabCorp); PubMed 15385441 (cited by Quest Diagnostics Nichols Institute San Juan Capistrano and Women's Health and Genetics/Laboratory Corporation of America, LabCorp); PubMed 15235020 (cited by Quest Diagnostics Nichols Institute San Juan Capistrano and Women's Health and Genetics/Laboratory Corporation of America, LabCorp); PubMed 14534301 (cited by Quest Diagnostics Nichols Institute San Juan Capistrano and Women's Health and Genetics/Laboratory Corporation of America, LabCorp); PubMed 17308087 (cited by Women's Health and Genetics/Laboratory Corporation of America, LabCorp); PubMed 19706752 (cited by Women's Health and Genetics/Laboratory Corporation of America, LabCorp).